The following is an entry in ClinVar:

ClinVar aggregate classification (germline): Uncertain significance (1 of 4 stars; one submission).

Submission:

GeneDx
Classification: Uncertain significance. Last evaluated: 2026-02-15. Review status: criteria provided, single submitter. Criteria: GeneDx Variant Classification Process June 2021. Collection method: clinical testing. Allele origin: germline.
Comment: Not observed at significant frequency in large population cohorts (gnomAD); In silico analysis supports that this missense variant has a deleterious effect on protein structure/function; Has not been previously published as pathogenic or benign to our knowledge

NM_006180.6(NTRK2):c.358A>T (p.Ile120Phe)

Gene: NTRK2 (neurotrophic receptor tyrosine kinase 2; plus strand). Cytogenetic location: 9q21.33.
Variant type: single nucleotide variant.
Coding change: c.358A>T on transcript NM_006180.6 (MANE Select); coding-DNA position 358, A replaced by T.
Protein change: p.Ile120Phe; replaces isoleucine 120 with phenylalanine.
Molecular consequence: missense variant. On other transcripts: 5 prime UTR variant (4).
Genome position (GRCh38, 1-based): chr9:84,702,418, A>T. VCF-style: chr9-84702418-A-T. GRCh37 (hg19) VCF-style: chr9-87317333-A-T.
Other names: c.-111A>T (NM_001369551.1, NM_001369535.1, NM_001369536.1 and 1 more transcripts); c.358A>T, p.Ile120Phe (NM_001007097.3, NM_001018064.3, NM_001018065.2 and 18 more transcripts); short protein forms I120F.
Identifiers: ClinVar variation 5009236 (VCV005009236.1).
Genomic context (GRCh38, chr9:84,702,418, plus strand): 5'-GATTCTGGATTAAAATTTGTGGCTCATAAAGCATTTCTGAAAAACAGCAACCTGCAGCAC[A>T]TGTAAGTAGAGATTGATTCTTTTGCTTCCCAGGACCCATTTTATTCAATATTTCCCCCCT-3'
Protein context (NP_006171.2, residues 110-130): AFLKNSNLQH[Ile120Phe]NFTRNKLTSL